The following is an entry in ClinVar:

ClinVar aggregate classification (germline): Uncertain significance. Review status: criteria provided, multiple submitters, no conflicts (2 of 4 stars). 3 submissions from 3 submitters: Uncertain significance (2). 1 of the submissions does not count toward it. Last evaluated 2024-10-16.

Conditions:
Tetralogy of Fallot (TOF). Identifiers: Orphanet 3303, MedGen C0039685, MONDO:0008542, OMIM 187500, HP:0001636.
Conotruncal heart malformations (CTHM). Also called: Conotruncal heart malformations, variable. Identifiers: Orphanet 2445, Orphanet 3384, Orphanet 3426, MedGen C1857586, MONDO:0016581, OMIM 217095.
Velocardiofacial syndrome (VCFS). Also called: SHPRINTZEN VCF SYNDROME; Shprintzen syndrome; VCF SYNDROME. Identifiers: Orphanet 567, MedGen C0220704, MONDO:0008644, OMIM 192430. Disease mechanism: loss of function.
DiGeorge syndrome. Also called: Catch22; THIRD AND FOURTH PHARYNGEAL POUCH SYNDROME. Identifiers: Orphanet 567, MedGen C0012236, MONDO:0008564, OMIM 188400.
TBX1-related disorder. Also called: TBX1-Related Disorders; TBX1-related condition.

Allele frequency attached by ClinVar (database versions not stated): gnomAD exomes 0.00001 and 0.00002; ExAC 0.00003; gnomAD 0.00006 and 0.00007; ESP Exome Variant Server 0.00008; TOPMed 0.00008; 1000 Genomes Project 30x 0.00031; 1000 Genomes Project 0.00040.
gnomAD v4.1: 20 of 1,610,558 alleles (0.0012%); highest among the groups gnomAD compares: African/African-American, 0.019%; no homozygotes.

Submissions (3):

Labcorp Genetics (formerly Invitae), Labcorp
Classification: Uncertain significance for DiGeorge syndrome. Last evaluated: 2024-10-16. Review status: criteria provided, single submitter. Criteria: Invitae Variant Classification Sherloc (09022015). Collection method: clinical testing. Allele origin: germline.
Comment: This sequence change falls in intron 5 of the TBX1 gene. It does not directly change the encoded amino acid sequence of the TBX1 protein. It affects a nucleotide within the consensus splice site. This variant is present in population databases (rs376779775, gnomAD 0.03%). This variant has not been reported in the literature in individuals affected with TBX1-related conditions. ClinVar contains an entry for this variant (Variation ID: 1414844). Variants that disrupt the consensus splice site are a relatively common cause of aberrant splicing (PMID: 17576681, 9536098). Algorithms developed to predict the effect of sequence changes on RNA splicing suggest that this variant is not likely to affect RNA splicing. In summary, the available evidence is currently insufficient to determine the role of this variant in disease. Therefore, it has been classified as a Variant of Uncertain Significance.

Fulgent Genetics
Classification: Uncertain significance for Tetralogy of Fallot; DiGeorge syndrome; Velocardiofacial syndrome; Conotruncal heart malformations. Last evaluated: 2021-12-14. Review status: criteria provided, single submitter. Criteria: ACMG Guidelines, 2015. Collection method: clinical testing. Allele origin: unknown.

PreventionGenetics, part of Exact Sciences
Classification: Likely benign for TBX1-related condition. Last evaluated: 2020-11-24. Review status: no assertion criteria provided. Collection method: clinical testing. Allele origin: germline. Not counted in ClinVar's aggregate classification.
Comment: This variant is classified as likely benign based on ACMG/AMP sequence variant interpretation guidelines (Richards et al. 2015 PMID: 25741868, with internal and published modifications).

Literature cited by the submitters: PubMed 17576681 (cited by Labcorp Genetics (formerly Invitae), Labcorp); PubMed 9536098 (cited by Labcorp Genetics (formerly Invitae), Labcorp).

NM_001379200.1(TBX1):c.711+3G>A

Gene: TBX1 (T-box transcription factor 1; plus strand). Cytogenetic location: 22q11.21.
Variant type: single nucleotide variant.
Coding change: c.711+3G>A on transcript NM_001379200.1 (MANE Select); 3 bases into the intron after coding-DNA position 711, G replaced by A.
Molecular consequence: intron variant.
Genome position (GRCh38, 1-based): chr22:19,764,329, G>A. VCF-style: chr22-19764329-G-A. GRCh37 (hg19) VCF-style: chr22-19751852-G-A.
Other names: c.684+3G>A (NM_005992.1, NM_080646.2, NM_080647.1).
Identifiers: ClinVar variation 1414844 (VCV001414844.9), dbSNP rs376779775, ClinGen allele CA10102528.